The following is an entry in ClinVar:

ClinVar aggregate classification (germline): Uncertain significance (1 of 4 stars; one submission).

Conditions:
Hereditary cancer-predisposing syndrome. Also called: Tumor predisposition; Neoplastic Syndromes, Hereditary; Hereditary neoplastic syndrome; Hereditary Cancer Syndrome. Identifiers: Orphanet 140162, MedGen C0027672, MeSH D009386, MONDO:0015356.

Submission:

Color Diagnostics, LLC DBA Color Health
Classification: Uncertain significance for Hereditary cancer-predisposing syndrome. Last evaluated: 2024-03-06. Review status: criteria provided, single submitter. Criteria: ACMG Guidelines, 2015. Collection method: clinical testing. Allele origin: germline.
Comment: This missense variant replaces glutamic acid with valine at codon 2263 of the APC protein. Computational prediction suggests that this variant may not impact protein structure and function (internally defined REVEL score threshold <= 0.5, PMID: 27666373). To our knowledge, functional studies have not been reported for this variant. This variant has not been reported in individuals affected with APC-related disorders in the literature. This variant has not been identified in the general population by the Genome Aggregation Database (gnomAD). The available evidence is insufficient to determine the role of this variant in disease conclusively. Therefore, this variant is classified as a Variant of Uncertain Significance.

NM_000038.6(APC):c.6788A>T (p.Glu2263Val)

Gene: APC (APC regulator of Wnt signaling pathway; plus strand). Cytogenetic location: 5q22.2.
Variant type: single nucleotide variant.
Coding change: c.6788A>T on transcript NM_000038.6 (MANE Select); coding-DNA position 6788, A replaced by T.
Protein change: p.Glu2263Val; replaces glutamic acid 2263 with valine.
Molecular consequence: missense variant.
Genome position (GRCh38, 1-based): chr5:112,842,382, A>T. VCF-style: chr5-112842382-A-T. GRCh37 (hg19) VCF-style: chr5-112178079-A-T.
Other names: c.6788A>T, p.Glu2263Val (NM_001127510.3, NM_001354895.2); c.6734A>T, p.Glu2245Val (NM_001127511.3); c.6842A>T, p.Glu2281Val (NM_001354896.2); c.6818A>T, p.Glu2273Val (NM_001354897.2); c.6713A>T, p.Glu2238Val (NM_001354898.2); c.6704A>T, p.Glu2235Val (NM_001354899.2); c.6665A>T, p.Glu2222Val (NM_001354900.2); c.6611A>T, p.Glu2204Val (NM_001354901.2); and 5 more; short protein forms E2245V, E2263V, E2172V, E2204V, E2222V, E2103V, E2137V, E2238V.
Identifiers: ClinVar variation 630891 (VCV000630891.4), dbSNP rs1561610164, ClinGen allele CA16036158.